The following is an entry in ClinVar:

ClinVar aggregate classification (germline): Uncertain significance (1 of 4 stars; one submission).

Allele frequency attached by ClinVar (database versions not stated): TOPMed below 0.00001 and 0.00001; ExAC 0.00001; gnomAD 0.00001; gnomAD exomes below 0.00001.

Submission:

GeneDx
Classification: Uncertain significance. Last evaluated: 2018-02-02. Review status: criteria provided, single submitter. Criteria: GeneDx Variant Classification (06012015). Collection method: clinical testing. Allele origin: germline. Affected: yes.
Comment: The c.2464-7 T>C variant has not been published as a pathogenic variant, nor has it been reported as a benign variant to our knowledge. The c.2464-7 T>C variant is not observed in large population cohorts (Lek et al., 2016). In silico analyses, including splice predictors and evolutionary conservation, support that this variant does not alter protein structure/function. In summary, based on the currently available information, it is unclear whether this variant is a pathogenic variant or a rare benign variant.

NM_004990.4(MARS1):c.2464-7T>C

Gene: MARS1 (methionyl-tRNA synthetase 1; plus strand). Cytogenetic location: 12q13.3.
Variant type: single nucleotide variant.
Coding change: c.2464-7T>C on transcript NM_004990.4 (MANE Select); 7 bases into the intron before coding-DNA position 2464, T replaced by C.
Molecular consequence: intron variant.
Genome position (GRCh38, 1-based): chr12:57,516,238, T>C. VCF-style: chr12-57516238-T-C. GRCh37 (hg19) VCF-style: chr12-57910021-T-C.
Identifiers: ClinVar variation 489364 (VCV000489364.2), dbSNP rs748573447, ClinGen allele CA6650857.